The following is an entry in ClinVar:

ClinVar aggregate classification (germline): Uncertain significance (1 of 4 stars; one submission).

Conditions:
Autism spectrum disorder. Also called: Autism spectrum disorders. Identifiers: MedGen C1510586, MeSH D000067877, MONDO:0005258.

Allele frequency attached by ClinVar (database versions not stated): gnomAD 0.00006; TOPMed 0.00007; ExAC 0.00009; 1000 Genomes Project 30x 0.00016; 1000 Genomes Project 0.00020.
gnomAD v4.1: 55 of 718,598 alleles (0.0077%); highest among the groups gnomAD compares: Non-Finnish European, 0.012%; no homozygotes.

Submission:

UNC Molecular Genetics  Laboratory, University of North Carolina at Chapel Hill
Classification: Uncertain significance for Autism spectrum disorder. Last evaluated: 2020-05-01. Review status: criteria provided, single submitter. Criteria: ACMG Guidelines, 2015. Collection method: research. Allele origin: germline. Observed: 1 variant allele. Study: CSER_NCGENES.
Comment: The SHANK2 c.1793G>A (p.Arg598His) is a missense variant that changes a single amino acid from an arginine to a histidine in exon 14, which is present in only one of three possible RNA transcripts for this gene in RefSeq. This variant is also seen in 12 control individuals of European descent (0.02%) in gnomAD. This variant has conflicting predictions of pathogenicity by in silico tools and its effect on protein function is unknown. This variant is classified as a variant uncertain significance.

Literature cited by the submitters: PubMed 22346768.

NM_012309.5(SHANK2):c.1793G>A (p.Arg598His)

Gene: SHANK2 (SH3 and multiple ankyrin repeat domains 2; minus strand). Cytogenetic location: 11q13.4.
Variant type: single nucleotide variant.
Coding change: c.1793G>A on transcript NM_012309.5 (MANE Select); coding-DNA position 1793, G replaced by A.
Protein change: p.Arg598His; replaces arginine 598 with histidine.
Molecular consequence: missense variant.
Genome position (GRCh38, 1-based): chr11:70,698,748, C>T on the plus strand (G>A on the coding strand, the complement: SHANK2 is on the minus strand). VCF-style: chr11-70698748-C-T. GRCh37 (hg19) VCF-style: chr11-70544853-C-T.
Other names: c.656G>A, p.Arg219His (NM_001379226.1); short protein forms R219H, R598H.
Identifiers: ClinVar variation 1064560 (VCV001064560.1), dbSNP rs568385491, ClinGen allele CA6161745.
Genomic context (GRCh38, chr11:70,698,748, plus strand): 5'-CTGGAAGTGTCGAAGCTGTCATAGGAGCCCACGGTGTAGTGCCTGAAAAGCTTCTTGCTG[C>T]GGTCAGCGCGGGTTTCTGTACAGAGAGGGAAGAGAAACACCATTCAGAAAAGTCATGGTC-3'
Protein context (NP_036441.2, residues 588-608): RDSQAETRAD[Arg598His]SKKLFRHYTV